The following is an entry in ClinVar:

NM_014003.4(DHX38):c.3202A>G (p.Ile1068Val)

Genes: DHX38 (DEAH-box helicase 38; plus strand), LOC126862391 (CDK7 strongly-dependent group 2 enhancer GRCh37_chr16:72141414-72142613; plus strand). Cytogenetic location: 16q22.2.
Variant type: single nucleotide variant.
Coding change: c.3202A>G on transcript NM_014003.4 (MANE Select); coding-DNA position 3202, A replaced by G.
Protein change: p.Ile1068Val; replaces isoleucine 1068 with valine.
Molecular consequence: missense variant.
Genome position (GRCh38, 1-based): chr16:72,108,554, A>G. VCF-style: chr16-72108554-A-G. GRCh37 (hg19) VCF-style: chr16-72142453-A-G.
Other names: short protein forms I1068V.
Identifiers: ClinVar variation 1382714 (VCV001382714.6), dbSNP rs1032015879, ClinGen allele CA283691619.

ClinVar aggregate classification (germline): Uncertain significance (1 of 4 stars; one submission).

Allele frequency attached by ClinVar (database versions not stated): gnomAD exomes below 0.00001 and 0.00001; TOPMed 0.00003; gnomAD 0.00004 and 0.00005.
gnomAD v4.1: 10 of 1,614,054 alleles (0.00062%); highest among the groups gnomAD compares: African/African-American, 0.0067%; no homozygotes.

Submission:

Labcorp Genetics (formerly Invitae), Labcorp
Classification: Uncertain significance. Last evaluated: 2023-06-30. Review status: criteria provided, single submitter. Criteria: Invitae Variant Classification Sherloc (09022015). Collection method: clinical testing. Allele origin: germline.
Comment: This variant is present in population databases (no rsID available, gnomAD 0.01%). This sequence change replaces isoleucine, which is neutral and non-polar, with valine, which is neutral and non-polar, at codon 1068 of the DHX38 protein (p.Ile1068Val). This variant has not been reported in the literature in individuals affected with DHX38-related conditions. In summary, the available evidence is currently insufficient to determine the role of this variant in disease. Therefore, it has been classified as a Variant of Uncertain Significance. Advanced modeling of protein sequence and biophysical properties (such as structural, functional, and spatial information, amino acid conservation, physicochemical variation, residue mobility, and thermodynamic stability) performed at Invitae indicates that this missense variant is not expected to disrupt DHX38 protein function. ClinVar contains an entry for this variant (Variation ID: 1382714).